The following is an entry in ClinVar:

ClinVar aggregate classification (germline): Likely benign (1 of 4 stars; one submission).

Submission:

CeGaT Center for Human Genetics Tuebingen
Classification: Likely benign. Last evaluated: 2025-06-01. Review status: criteria provided, single submitter. Criteria: CeGaT Center For Human Genetics Tuebingen Variant Classification Criteria Version 2. Collection method: clinical testing. Allele origin: germline. Affected: yes. Observed: 2 variant alleles.
Comment: MUC3A: BP4, BP7

NM_005960.2(MUC3A):c.6798C>A (p.Thr2266=)

Gene: MUC3A (mucin 3A, cell surface associated; plus strand). Cytogenetic location: 7q22.1.
Variant type: single nucleotide variant.
Coding change: c.6798C>A on transcript NM_005960.2 (MANE Select); coding-DNA position 6798, C replaced by A.
Protein change: p.Thr2266=; no amino-acid change (threonine 2266 retained).
Molecular consequence: synonymous variant.
Genome position (GRCh38, 1-based): chr7:100,958,577, C>A. VCF-style: chr7-100958577-C-A. GRCh37 (hg19) VCF-style: chr7-100550706-C-A.
Identifiers: ClinVar variation 3904793 (VCV003904793.10).